The following is an entry in ClinVar:

NM_032447.5(FBN3):c.928G>A (p.Gly310Ser)

Gene: FBN3 (fibrillin 3; minus strand). Cytogenetic location: 19p13.2.
Variant type: single nucleotide variant.
Coding change: c.928G>A on transcript NM_032447.5 (MANE Select); coding-DNA position 928, G replaced by A.
Protein change: p.Gly310Ser; replaces glycine 310 with serine.
Molecular consequence: missense variant.
Genome position (GRCh38, 1-based): chr19:8,138,502, C>T on the plus strand (G>A on the coding strand, the complement: FBN3 is on the minus strand). VCF-style: chr19-8138502-C-T. GRCh37 (hg19) VCF-style: chr19-8203386-C-T.
Other names: c.928G>A, p.Gly310Ser (NM_001321431.2); c.928G>A (NM_032447.3); short protein forms G310S.
Identifiers: ClinVar variation 3709278 (VCV003709278.7).

ClinVar aggregate classification (germline): Uncertain significance. Review status: criteria provided, multiple submitters, no conflicts (2 of 4 stars). 3 submissions from 3 submitters: Uncertain significance (3). Last evaluated 2026-01-01.

Submissions (3):

CeGaT Center for Human Genetics Tuebingen
Classification: Uncertain significance. Last evaluated: 2026-01-01. Review status: criteria provided, single submitter. Criteria: CeGaT Center For Human Genetics Tuebingen Variant Classification Criteria Version 2. Collection method: clinical testing. Allele origin: germline. Affected: yes. Observed: 1 variant allele.
Comment: FBN3: PM2

Ambry Genetics
Classification: Uncertain significance. Last evaluated: 2025-02-14. Review status: criteria provided, single submitter. Criteria: Ambry Variant Classification Scheme 2023. Collection method: clinical testing. Allele origin: germline.

Labcorp Genetics (formerly Invitae), Labcorp
Classification: Uncertain significance. Last evaluated: 2025-01-29. Review status: criteria provided, single submitter. Criteria: Invitae Variant Classification Sherloc (09022015). Collection method: clinical testing. Allele origin: germline.
Comment: This sequence change replaces glycine, which is neutral and non-polar, with serine, which is neutral and polar, at codon 310 of the FBN3 protein (p.Gly310Ser). This variant is present in population databases (rs778441811, gnomAD 0.02%). This variant has not been reported in the literature in individuals affected with FBN3-related conditions. Invitae Evidence Modeling of protein sequence and biophysical properties (such as structural, functional, and spatial information, amino acid conservation, physicochemical variation, residue mobility, and thermodynamic stability) indicates that this missense variant is not expected to disrupt FBN3 protein function with a negative predictive value of 80%. In summary, the available evidence is currently insufficient to determine the role of this variant in disease. Therefore, it has been classified as a Variant of Uncertain Significance.